The following is an entry in ClinVar:

NM_138409.4(MRAP2):c.118G>T (p.Ala40Ser)

Gene: MRAP2 (melanocortin 2 receptor accessory protein 2; plus strand). Cytogenetic location: 6q14.2.
Variant type: single nucleotide variant.
Coding change: c.118G>T on transcript NM_138409.4 (MANE Select); coding-DNA position 118, G replaced by T.
Protein change: p.Ala40Ser; replaces alanine 40 with serine.
Molecular consequence: missense variant. On other transcripts: 5 prime UTR variant (2).
Genome position (GRCh38, 1-based): chr6:84,055,436, G>T. VCF-style: chr6-84055436-G-T. GRCh37 (hg19) VCF-style: chr6-84765155-G-T.
Other names: c.-41G>T (NM_001346541.2); c.118G>T, p.Ala40Ser (NM_001346542.2, NM_001346544.2); c.-142G>T (NM_001346543.2); short protein forms A40S.
Identifiers: ClinVar variation 3347917 (VCV003347917.1).
Genomic context (GRCh38, chr6:84,055,436, plus strand): 5'-GATTACACCTGGGAATATGAATATTATGAGATTGGACCAGTTTCCTTTGAAGGACTGAAG[G>T]CTCATAAATGTAAGTTTTATACAATTCCTCATTGAAAGCATAATTGTATTTCTCTTAACC-3'
Protein context (NP_612418.2, residues 30-50): IGPVSFEGLK[Ala40Ser]HKYSIVIGFW

ClinVar aggregate classification (germline): Uncertain significance (0 of 4 stars; one submission).

Conditions:
MRAP2-related disorder. Also called: MRAP2-related condition.

gnomAD v4.1: 6 of 1,611,530 alleles (0.00037%); highest among the groups gnomAD compares: Non-Finnish European, 0.00025%; no homozygotes.

Submission:

PreventionGenetics, part of Exact Sciences
Classification: Uncertain significance for MRAP2-related condition. Last evaluated: 2024-04-30. Review status: no assertion criteria provided. Collection method: clinical testing. Allele origin: germline.
Comment: The MRAP2 c.118G>T variant is predicted to result in the amino acid substitution p.Ala40Ser. This variant was reported in an individual with a Prader-Willi-like phenotype (Geets et al. 2016. PubMed ID: 26795956). This variant is reported in 0.010% of alleles in individuals of Ashkenazi Jewish descent in gnomAD. At this time, the clinical significance of this variant is uncertain due to the absence of conclusive functional and genetic evidence.